The following is an entry in ClinVar:

NM_003673.4(TCAP):c.332dup (p.Gln112fs)

Gene: TCAP (titin-cap; plus strand). Cytogenetic location: 17q12.
Variant type: Duplication.
Coding change: c.332dup on transcript NM_003673.4 (MANE Select); coding-DNA position 332, one base duplicated (T; older notation c.332dupT).
Protein change: p.Gln112fs; shifts the reading frame from glutamine 112.
Molecular consequence: frameshift variant.
Genome position (GRCh38, 1-based): chr17:39,665,937, T duplicated. VCF-style (leftmost placement, unchanged base first): chr17-39665936-A-AT. GRCh37 (hg19) VCF-style: chr17-37822189-A-AT.
Other names: short protein forms Q112fs.
Identifiers: ClinVar variation 2930435 (VCV002930435.4), dbSNP rs770194856, ClinGen allele CA8532900.
Genomic context (GRCh38, chr17:39,665,936, plus strand): 5'-CTGCCCATCTTCACCCCTGCCAAGATGGGCGCCACCAAGGAGGAGCGTGAGGACACCCCC[A>AT]TCCAGCTTCAGGAGCTGCTGGCGCTGGAGACAGCCCTGGGTGGCCAGTGTGTGGACCGCC-3'

ClinVar aggregate classification (germline): Uncertain significance. Review status: criteria provided, multiple submitters, no conflicts (2 of 4 stars). 2 submissions from 2 submitters: Uncertain significance (2). Last evaluated 2024-04-23.

Conditions:
Primary familial hypertrophic cardiomyopathy (HCM). Identifiers: Orphanet 99739, MedGen C0949658, MeSH D024741, MONDO:0024573. Inheritance: Various modes of inheritance.
Hypertrophic cardiomyopathy 25 (CMH25). Also called: CARDIOMYOPATHY, FAMILIAL HYPERTROPHIC, 25. Identifiers: MedGen C4225408, MONDO:0011843, OMIM 607487.

Allele frequency attached by ClinVar (database versions not stated): ExAC 0.00001; gnomAD 0.00001; TOPMed 0.00001.

Submissions (2):

Greenwood Genetic Center Diagnostic Laboratories, Greenwood Genetic Center
Classification: Uncertain significance. Last evaluated: 2024-04-23. Review status: criteria provided, single submitter. Criteria: ACMG Guidelines, 2015. Collection method: clinical testing. Allele origin: germline. Affected: yes.
Comment: PVS1_Moderate, PM2, PP3

Labcorp Genetics (formerly Invitae), Labcorp
Classification: Uncertain significance for Hypertrophic cardiomyopathy 25; Primary familial hypertrophic cardiomyopathy. Last evaluated: 2022-12-20. Review status: criteria provided, single submitter. Criteria: Invitae Variant Classification Sherloc (09022015). Collection method: clinical testing. Allele origin: germline.
Comment: This sequence change creates a premature translational stop signal (p.Gln112Profs*24) in the TCAP gene. While this is not anticipated to result in nonsense mediated decay, it is expected to disrupt the last 56 amino acid(s) of the TCAP protein. This variant is present in population databases (rs770194856, gnomAD 0.007%). This variant has not been reported in the literature in individuals affected with TCAP-related conditions. This variant disrupts a region of the TCAP protein in which other variant(s) (p.Glu120Aspfs*15) have been observed in individuals with TCAP-related conditions (PMID: 29970176). This suggests that this is a clinically significant region of the protein, and that variants that disrupt it are likely to be disease-causing. In summary, the available evidence is currently insufficient to determine the role of this variant in disease. Therefore, it has been classified as a Variant of Uncertain Significance.

Literature cited by the submitters: PubMed 29970176 (cited by Labcorp Genetics (formerly Invitae), Labcorp).